The following is an entry in ClinVar:

NM_001101677.2(SOHLH1):c.27C>G (p.Tyr9Ter)

Gene: SOHLH1 (spermatogenesis and oogenesis specific basic helix-loop-helix 1; minus strand). Cytogenetic location: 9q34.3.
Variant type: single nucleotide variant.
Coding change: c.27C>G on transcript NM_001101677.2 (MANE Select); coding-DNA position 27, C replaced by G.
Protein change: p.Tyr9Ter; replaces tyrosine 9 with a stop codon.
Molecular consequence: nonsense.
Genome position (GRCh38, 1-based): chr9:135,699,441, G>C on the plus strand (C>G on the coding strand, the complement: SOHLH1 is on the minus strand). VCF-style: chr9-135699441-G-C. GRCh37 (hg19) VCF-style: chr9-138591287-G-C.
Other names: NM_001012415.2:c.27C>G(p.Tyr9Ter); NM_001101677.1:c.27C>G(p.Tyr9Ter); c.27C>G, p.Tyr9Ter (NM_001012415.3); short protein forms Y9*.
Identifiers: ClinVar variation 218902 (VCV000218902.2), dbSNP rs864309646, ClinGen allele CA339645.

ClinVar aggregate classification (germline): Pathogenic/Likely pathogenic. Review status: criteria provided, multiple submitters, no conflicts (2 of 4 stars). 3 submissions from 3 submitters: Pathogenic (1); Likely pathogenic (1). 1 of the submissions does not count toward it. Last evaluated 2018-04-16.

Conditions:
Ovarian dysgenesis 5. Identifiers: MedGen C4540141, MONDO:0054666, OMIM 617690.
Nonsyndromic hypergonadotropic hypogonadism.

Submissions (3):

SIB Swiss Institute of Bioinformatics
Classification: Pathogenic for Ovarian dysgenesis 5. Last evaluated: 2018-04-16. Review status: criteria provided, single submitter. Criteria: ACMG Guidelines, 2015. Collection method: curation. Allele origin: germline.
Comment: This variant is interpreted as a Pathogenic, for Ovarian dysgenesis 5, Autosomal Recessive inheritance. The following ACMG Tag(s) were applied: PM2 => Absent from controls (or at extremely low frequency if recessive) in Exome Sequencing Project, 1000 Genomes Project, or Exome Aggregation Consortium. PVS1 => Predicted nullvariant in a gene where LOF is a known mechanism of disease (PMID:25774885). PP1 => Cosegregation with disease in multiple affected family members in a gene definitively known to cause the disease (PMID:25774885).

Lupski Lab, Baylor-Hopkins CMG, Baylor College of Medicine
Classification: Likely pathogenic for Nonsyndromic hypergonadotropic hypogonadism. Last evaluated: 2015-05-01. Review status: criteria provided, single submitter. Criteria: Bayram et al. (JCEM 2015). Collection method: research. Allele origin: germline. Inheritance: Autosomal recessive inheritance. Affected: yes and no. Observed: 4 variant alleles, 2 heterozygotes, 2 homozygotes. Clinical features observed: Hypergonadotropic hypogonadism.

OMIM
Classification: Pathogenic for OVARIAN DYSGENESIS 5. Last evaluated: 2015-05-01. Review status: no assertion criteria provided. Collection method: literature only. Allele origin: germline. Not counted in ClinVar's aggregate classification.

Literature cited by the submitters: PubMed 25774885 (cited by SIB Swiss Institute of Bioinformatics and OMIM); PubMed 17301727 (cited by OMIM).